The following is an entry in ClinVar:

ClinVar aggregate classification (germline): Uncertain significance (1 of 4 stars; one submission).

Conditions:
Sulfite oxidase deficiency due to molybdenum cofactor deficiency type A. Also called: Molybdenum cofactor deficiency, complementation group A; Molybdenum Cofactor Deficiency A. Identifiers: Orphanet 308386, Orphanet 833, MedGen C1854988, MONDO:0009643, OMIM 252150.

Allele frequency attached by ClinVar (database versions not stated): ExAC 0.00005; TOPMed 0.00005; gnomAD 0.00007; ESP Exome Variant Server 0.00008; gnomAD exomes 0.00009.
gnomAD v4.1: 134 of 1,614,034 alleles (0.0083%); highest among the groups gnomAD compares: Admixed American, 0.017%; no homozygotes.

Submission:

Labcorp Genetics (formerly Invitae), Labcorp
Classification: Uncertain significance for Sulfite oxidase deficiency due to molybdenum cofactor deficiency type A. Last evaluated: 2022-04-17. Review status: criteria provided, single submitter. Criteria: Invitae Variant Classification Sherloc (09022015). Collection method: clinical testing. Allele origin: germline.
Comment: This sequence change replaces proline, which is neutral and non-polar, with leucine, which is neutral and non-polar, at codon 516 of the MOCS1 protein (p.Pro516Leu). This variant is present in population databases (rs148846409, gnomAD 0.01%). This variant has not been reported in the literature in individuals affected with MOCS1-related conditions. Algorithms developed to predict the effect of missense changes on protein structure and function are either unavailable or do not agree on the potential impact of this missense change (SIFT: "Not Available"; PolyPhen-2: "Possibly Damaging"; Align-GVGD: "Not Available"). In summary, the available evidence is currently insufficient to determine the role of this variant in disease. Therefore, it has been classified as a Variant of Uncertain Significance.

NM_001358530.2(MOCS1):c.1547C>T (p.Pro516Leu)

Gene: MOCS1 (molybdenum cofactor synthesis 1; minus strand). Cytogenetic location: 6p21.2.
Variant type: single nucleotide variant.
Coding change: c.1547C>T on transcript NM_001358530.2 (MANE Select); coding-DNA position 1547, C replaced by T.
Protein change: p.Pro516Leu; replaces proline 516 with leucine.
Molecular consequence: missense variant. On other transcripts: 3 prime UTR variant (4), non-coding transcript variant (1).
Genome position (GRCh38, 1-based): chr6:39,906,721, G>A on the plus strand (C>T on the coding strand, the complement: MOCS1 is on the minus strand). VCF-style: chr6-39906721-G-A. GRCh37 (hg19) VCF-style: chr6-39874497-G-A.
Other names: c.*404C>T (NM_001075098.4, NM_001358533.2, NM_001358534.2 and 1 more transcripts); c.1499C>T, p.Pro500Leu (NM_001358529.2); c.1286C>T, p.Pro429Leu (NM_001358531.2); short protein forms P429L, P500L, P516L.
Identifiers: ClinVar variation 1972928 (VCV001972928.2), dbSNP rs148846409, ClinGen allele CA3795928.